The following is an entry in ClinVar:

ClinVar aggregate classification (germline): Uncertain significance (1 of 4 stars; one submission).

Conditions:
Wilms tumor 1 (WT1). Also called: Wilms tumor, somatic. Identifiers: Orphanet 654, MedGen CN033288, MONDO:0008679, OMIM 194070.
11p partial monosomy syndrome (WAGR). Also called: WAGR syndrome; CHROMOSOME 11p13 DELETION SYNDROME; WAGR Complex; WAGR Spectrum Disorder. Identifiers: Orphanet 893, MedGen C0206115, MONDO:0008681, OMIM 194072.
Frasier syndrome. Identifiers: Orphanet 347, MedGen C0950122, MeSH D052159, MONDO:0007635, OMIM 136680.
Drash syndrome (DDS). Also called: WILMS TUMOR AND PSEUDO- OR TRUE HERMAPHRODITISM; NEPHROPATHY, WILMS TUMOR, AND GENITAL ANOMALIES. Identifiers: Orphanet 220, MedGen C0950121, MONDO:0008682, OMIM 194080.

gnomAD v4.1: 2 of 1,521,028 alleles (0.00013%); highest among the groups gnomAD compares: Non-Finnish European, 0.00018%; no homozygotes.

Submission:

Labcorp Genetics (formerly Invitae), Labcorp
Classification: Uncertain significance for Wilms tumor 1; Drash syndrome; 11p partial monosomy syndrome; Frasier syndrome. Last evaluated: 2023-11-27. Review status: criteria provided, single submitter. Criteria: Invitae Variant Classification Sherloc (09022015). Collection method: clinical testing. Allele origin: germline.
Comment: This sequence change replaces glutamine, which is neutral and polar, with histidine, which is basic and polar, at codon 67 of the WT1 protein (p.Gln67His). This variant is not present in population databases (gnomAD no frequency). This variant has not been reported in the literature in individuals affected with WT1-related conditions. ClinVar contains an entry for this variant (Variation ID: 1018609). Algorithms developed to predict the effect of missense changes on protein structure and function output the following: SIFT: "Not Available"; PolyPhen-2: "Benign"; Align-GVGD: "Not Available". The histidine amino acid residue is found in multiple mammalian species, which suggests that this missense change does not adversely affect protein function. In summary, the available evidence is currently insufficient to determine the role of this variant in disease. Therefore, it has been classified as a Variant of Uncertain Significance.

NM_024426.6(WT1):c.216G>C (p.Gln72His)

Genes: WT1 (WT1 transcription factor; minus strand), LOC107982234 (WT1/WT1-AS bi-directional promoter region; plus strand). Cytogenetic location: 11p13.
Variant type: single nucleotide variant.
Coding change: c.216G>C on transcript NM_024426.6 (MANE Select); coding-DNA position 216, G replaced by C.
Protein change: p.Gln72His; replaces glutamine 72 with histidine.
Molecular consequence: missense variant. On other transcripts: non-coding transcript variant (1).
Genome position (GRCh38, 1-based): chr11:32,435,145, C>G on the plus strand (G>C on the coding strand, the complement: WT1 is on the minus strand). VCF-style: chr11-32435145-C-G. GRCh37 (hg19) VCF-style: chr11-32456691-C-G.
Other names: c.216G>C, p.Gln72His (NM_000378.6, NM_024424.5); short protein forms Q72H.
Identifiers: ClinVar variation 1018609 (VCV001018609.9), dbSNP rs5030135, ClinGen allele CA379966142.